The following is an entry in ClinVar:

NM_000587.4(C7):c.1442C>G (p.Thr481Arg)

Gene: C7 (complement C7; plus strand). Cytogenetic location: 5p13.1.
Variant type: single nucleotide variant.
Coding change: c.1442C>G on transcript NM_000587.4 (MANE Select); coding-DNA position 1442, C replaced by G.
Protein change: p.Thr481Arg; replaces threonine 481 with arginine.
Molecular consequence: missense variant.
Genome position (GRCh38, 1-based): chr5:40,958,214, C>G. VCF-style: chr5-40958214-C-G. GRCh37 (hg19) VCF-style: chr5-40958316-C-G.
Other names: short protein forms T481R.
Identifiers: ClinVar variation 1403620 (VCV001403620.8), dbSNP rs1333144986, ClinGen allele CA359586830.

ClinVar aggregate classification (germline): Uncertain significance (1 of 4 stars; one submission).

Allele frequency attached by ClinVar (database versions not stated): gnomAD exomes below 0.00001; gnomAD 0.00001; TOPMed 0.00001.
gnomAD v4.1: 3 of 1,612,928 alleles (0.00019%); highest among the groups gnomAD compares: Non-Finnish European, 0.00025%; no homozygotes.

Submission:

Labcorp Genetics (formerly Invitae), Labcorp
Classification: Uncertain significance. Last evaluated: 2022-06-27. Review status: criteria provided, single submitter. Criteria: Invitae Variant Classification Sherloc (09022015). Collection method: clinical testing. Allele origin: germline.
Comment: This sequence change replaces threonine, which is neutral and polar, with arginine, which is basic and polar, at codon 481 of the C7 protein (p.Thr481Arg). This variant is present in population databases (no rsID available, gnomAD 0.004%). This variant has not been reported in the literature in individuals affected with C7-related conditions. Algorithms developed to predict the effect of missense changes on protein structure and function are either unavailable or do not agree on the potential impact of this missense change (SIFT: "Deleterious"; PolyPhen-2: "Probably Damaging"; Align-GVGD: "Class C0"). Algorithms developed to predict the effect of sequence changes on RNA splicing suggest that this variant may create or strengthen a splice site. In summary, the available evidence is currently insufficient to determine the role of this variant in disease. Therefore, it has been classified as a Variant of Uncertain Significance.